The following is an entry in ClinVar:

NM_133259.4(LRPPRC):c.3364+6T>A

Gene: LRPPRC (leucine rich pentatricopeptide repeat containing; minus strand). Cytogenetic location: 2p21.
Variant type: single nucleotide variant.
Coding change: c.3364+6T>A on transcript NM_133259.4 (MANE Select); 6 bases into the intron after coding-DNA position 3364, T replaced by A.
Molecular consequence: intron variant.
Genome position (GRCh38, 1-based): chr2:43,905,686, A>T on the plus strand (T>A on the coding strand, the complement: LRPPRC is on the minus strand). VCF-style: chr2-43905686-A-T. GRCh37 (hg19) VCF-style: chr2-44132825-A-T.
Identifiers: ClinVar variation 336151 (VCV000336151.8), dbSNP rs543620356, ClinGen allele CA10613419.

ClinVar aggregate classification (germline): Uncertain significance. Review status: criteria provided, multiple submitters, no conflicts (2 of 4 stars). 2 submissions from 2 submitters: Uncertain significance (2). Last evaluated 2024-10-22.

Conditions:
Congenital lactic acidosis, Saguenay-Lac-Saint-Jean type (MC4DN5). Also called: CYTOCHROME c OXIDASE DEFICIENCY, FRENCH CANADIAN TYPE; COX DEFICIENCY, FRENCH CANADIAN TYPE; MITOCHONDRIAL COMPLEX IV DEFICIENCY, NUCLEAR TYPE 5. Identifiers: Orphanet 70472, MedGen C1857355, MONDO:0009069, OMIM 220111.

Allele frequency attached by ClinVar (database versions not stated): gnomAD exomes below 0.00001 and 0.00001; TOPMed below 0.00001; gnomAD 0.00001.
gnomAD v4.1: 7 of 1,602,928 alleles (0.00044%); highest among the groups gnomAD compares: Middle Eastern, 0.016%; no homozygotes.

Submissions (2):

Labcorp Genetics (formerly Invitae), Labcorp
Classification: Uncertain significance. Last evaluated: 2024-10-22. Review status: criteria provided, single submitter. Criteria: Invitae Variant Classification Sherloc (09022015). Collection method: clinical testing. Allele origin: germline.
Comment: This sequence change falls in intron 31 of the LRPPRC gene. It does not directly change the encoded amino acid sequence of the LRPPRC protein. It affects a nucleotide within the consensus splice site. This variant is present in population databases (rs543620356, gnomAD 0.002%). This variant has not been reported in the literature in individuals affected with LRPPRC-related conditions. ClinVar contains an entry for this variant (Variation ID: 336151). Variants that disrupt the consensus splice site are a relatively common cause of aberrant splicing (PMID: 17576681, 9536098). Algorithms developed to predict the effect of sequence changes on RNA splicing suggest that this variant is not likely to affect RNA splicing. In summary, the available evidence is currently insufficient to determine the role of this variant in disease. Therefore, it has been classified as a Variant of Uncertain Significance.

Illumina Laboratory Services, Illumina
Classification: Uncertain significance for Congenital lactic acidosis, Saguenay-Lac-Saint-Jean type. Last evaluated: 2018-01-13. Review status: criteria provided, single submitter. Criteria: ICSL Variant Classification Criteria 13 December 2019. Collection method: clinical testing. Allele origin: germline.

Literature cited by the submitters: PubMed 17576681 (cited by Labcorp Genetics (formerly Invitae), Labcorp); PubMed 9536098 (cited by Labcorp Genetics (formerly Invitae), Labcorp).